The following is an entry in ClinVar:

NM_017780.4(CHD7):c.5677G>T (p.Glu1893Ter)

Gene: CHD7 (chromodomain helicase DNA binding protein 7; plus strand). Cytogenetic location: 8q12.2.
Variant type: single nucleotide variant.
Coding change: c.5677G>T on transcript NM_017780.4 (MANE Select); coding-DNA position 5677, G replaced by T.
Protein change: p.Glu1893Ter; replaces glutamic acid 1893 with a stop codon.
Molecular consequence: nonsense. On other transcripts: intron variant (1).
Genome position (GRCh38, 1-based): chr8:60,852,030, G>T. VCF-style: chr8-60852030-G-T. GRCh37 (hg19) VCF-style: chr8-61764589-G-T.
Other names: c.1717-10199G>T (NM_001316690.1); short protein forms E1893*.
Identifiers: ClinVar variation 1301746 (VCV001301746.2), dbSNP rs2150807513, ClinGen allele CA371322361.

ClinVar aggregate classification (germline): Pathogenic (1 of 4 stars; one submission).

Submission:

Dubai Health Genomic Medicine Center, Dubai Health
Classification: Pathogenic. Last evaluated: 2020-01-24. Review status: criteria provided, single submitter. Criteria: ACMG Guidelines, 2015. Collection method: clinical testing. Allele origin: germline. Affected: yes.
Comment: The p.Glu1893* in CHD7 has not been previously reported in affected individuals and is absent from large population studies such as the Genome Aggregation Database (gnomAD) and the Greater Middle East (GME) Variome database. This nonsense variant leads to a premature termination codon at position 1893 which is predicted to lead to a truncated or absent protein. Loss of function of CHD7 is an established disease mechanism for CHARGE syndrome1. In summary this variant meets our criteria to be classified as pathogenic. Disease Background: CHARGE syndrome is a multisystem autosomal dominant disorder with variable expressivity1. CHARGE is an acronym for coloboma heart defects choanal atresia retarded growth and development genital abnormalities and ear anomalies which constitute the typical constellations of symptoms in an affected patient2. Pathogenic variants in CHD7 account for 65-70% cases of CHARGE syndrome in patients presenting with typical features and penetrance in those with CHD7 pathogenic variants is 100%2. Haploinsufficiency of CHD7 is the proposed disease mechanism and most patients reported have de novo truncating variants in the gene1. In rare cases parent-to-child transmission has also been reported3. Neonates with CHARGE syndrome often have multiple life-threatening medical conditions and early diagnosis with appropriate clinical management greatly improves survival2. References: 1. Bergman J. E. H. et al. CHD7 mutations and CHARGE syndrome: The clinical implications of an expanding phenotype. Journal of Medical Genetics 48 334–342 (2011). 2. Lalani S. R. Hefner M. A. Belmont J. W. & Davenport S. L. CHARGE Syndrome - GeneReviews® - NCBI Bookshelf. (2006). (Accessed: 22nd January 2020) 3. Sanlaville D. & Verloes A. CHARGE syndrome: An update. Eur. J. Hum. Genet. 15 389–399 (2007). 4. den Dunnen J. T. et al. HGVS Recommendations for the Description of Sequence Variants: 2016 Update. Hum. Mutat. 37 564–569 (2016). 5. Richards S. et al. Standards and guidelines for the interpretation of sequence variants: a joint consensus recommendation of the American College of Medical Genetics and Genomics and the Association for Molecular Pathology. Genet. Med. 17 405–24 (2015).